The following is an entry in ClinVar:

NM_001267550.2(TTN):c.55121-5T>C

Genes: TTN (titin; minus strand), TTN-AS1 (TTN antisense RNA 1; plus strand). Cytogenetic location: 2q31.2.
Variant type: single nucleotide variant.
Coding change: c.55121-5T>C on transcript NM_001267550.2 (MANE Select); 5 bases into the intron before coding-DNA position 55121, T replaced by C.
Molecular consequence: intron variant.
Genome position (GRCh38, 1-based): chr2:178,602,155, A>G on the plus strand (T>C on the coding strand, the complement: TTN is on the minus strand). VCF-style: chr2-178602155-A-G. GRCh37 (hg19) VCF-style: chr2-179466882-A-G.
Other names: c.27926-5T>C (NM_003319.4); c.28502-5T>C (NM_133437.4); c.28301-5T>C (NM_133432.3); c.47417-5T>C (NM_133378.4); c.50198-5T>C (NM_001256850.1).
Identifiers: ClinVar variation 1796061 (VCV001796061.3), dbSNP rs2470036399, ClinGen allele CA2580064771.

ClinVar aggregate classification (germline): Uncertain significance. Review status: criteria provided, multiple submitters, no conflicts (2 of 4 stars). 2 submissions from 2 submitters: Uncertain significance (2). Last evaluated 2024-11-25.

Conditions:
Cardiovascular phenotype. Identifiers: MedGen CN230736.

gnomAD v4.1: 11 of 1,600,872 alleles (0.00069%); highest among the groups gnomAD compares: Non-Finnish European, 0.00068%; no homozygotes.

Submissions (2):

Women's Health and Genetics/Laboratory Corporation of America, LabCorp
Classification: Uncertain significance. Last evaluated: 2024-11-25. Review status: criteria provided, single submitter. Criteria: LabCorp Variant Classification Summary - May 2015. Collection method: clinical testing. Allele origin: germline.
Comment: Variant summary: TTN c.47417-5T>C alters a conserved nucleotide located close to a canonical splice site and therefore could affect mRNA splicing, leading to a significantly altered protein sequence. Consensus agreement among computation tools predict no significant impact on normal splicing. However, these predictions have yet to be confirmed by functional studies. The frequency data for this variant in gnomAD is considered unreliable, as metrics indicate poor data quality at this position. To our knowledge, no occurrence of c.47417-5T>C in individuals affected with TTN-related conditions and no experimental evidence demonstrating its impact on protein function have been reported. ClinVar contains an entry for this variant (Variation ID: 1796061). Based on the evidence outlined above, the variant was classified as uncertain significance.

Ambry Genetics
Classification: Uncertain significance for Cardiovascular phenotype. Last evaluated: 2022-03-14. Review status: criteria provided, single submitter. Criteria: Ambry Variant Classification Scheme 2023. Collection method: clinical testing. Allele origin: germline.
Comment: The c.27926-5T>C intronic variant results from a T to C substitution 5 nucleotides upstream from coding exon 111 in the TTN gene. This nucleotide position is highly conserved in available vertebrate species. In silico splice site analysis predicts that this alteration will not have any significant effect on splicing. Since supporting evidence is limited at this time, the clinical significance of this alteration remains unclear.